The following is an entry in ClinVar:

ClinVar aggregate classification (germline): Uncertain significance (1 of 4 stars; one submission).

Conditions:
KIF1A-related disorder. Also called: KIF1A-related disorders; KIF1A-related condition.

Submission:

PreventionGenetics, part of Exact Sciences
Classification: Uncertain significance for KIF1A-related condition. Last evaluated: 2024-11-30. Review status: criteria provided, single submitter. Criteria: ACMG Guidelines, 2015. Collection method: clinical testing. Allele origin: germline.
Comment: The KIF1A c.2498C>T variant is predicted to result in the amino acid substitution p.Ser833Phe. To our knowledge, this variant has not been reported in the literature or in a large population database (gnomAD), indicating this variant is rare. At this time, the clinical significance of this variant is uncertain due to the absence of conclusive functional and genetic evidence.

NM_001244008.2(KIF1A):c.2498C>T (p.Ser833Phe)

Gene: KIF1A (kinesin family member 1A; minus strand). Cytogenetic location: 2q37.3.
Variant type: single nucleotide variant.
Coding change: c.2498C>T on transcript NM_001244008.2 (MANE Select); coding-DNA position 2498, C replaced by T.
Protein change: p.Ser833Phe; replaces serine 833 with phenylalanine.
Molecular consequence: missense variant.
Genome position (GRCh38, 1-based): chr2:240,758,444, G>A on the plus strand (C>T on the coding strand, the complement: KIF1A is on the minus strand). VCF-style: chr2-240758444-G-A. GRCh37 (hg19) VCF-style: chr2-241697861-G-A.
Other names: c.2498C>T, p.Ser833Phe (NM_001320705.2, NM_001330289.2, NM_001379638.1); c.2573C>T, p.Ser858Phe (NM_001330290.2, NM_001379631.1, NM_001379634.1 and 2 more transcripts); c.2471C>T, p.Ser824Phe (NM_001379632.1, NM_001379633.1, NM_001379636.1 and 10 more transcripts); c.2546C>T, p.Ser849Phe (NM_001379637.1, NM_001379648.1); short protein forms S824F, S849F, S833F, S858F.
Identifiers: ClinVar variation 5000360 (VCV005000360.1).